The following is an entry in ClinVar:

NM_000059.4(BRCA2):c.3106G>C (p.Glu1036Gln)

Gene: BRCA2 (BRCA2 DNA repair associated; plus strand). Cytogenetic location: 13q13.1.
Variant type: single nucleotide variant.
Coding change: c.3106G>C on transcript NM_000059.4 (MANE Select); coding-DNA position 3106, G replaced by C.
Protein change: p.Glu1036Gln; replaces glutamic acid 1036 with glutamine.
Molecular consequence: missense variant.
Genome position (GRCh38, 1-based): chr13:32,337,461, G>C. VCF-style: chr13-32337461-G-C. GRCh37 (hg19) VCF-style: chr13-32911598-G-C.
Other names: c.3106G>C, p.Glu1036Gln (NM_001406719.1, NM_001406720.1); short protein forms E1036Q.
Identifiers: ClinVar variation 1727690 (VCV001727690.9), dbSNP rs1060502449, ClinGen allele CA387775378.
Genomic context (GRCh38, chr13:32,337,461, plus strand): 5'-GAAATCAAGCTCTCTGAACATAACATTAAGAAGAGCAAAATGTTCTTCAAAGATATTGAA[G>C]AACAATATCCTACTAGTTTAGCTTGTGTTGAAATTGTAAATACCTTGGCATTAGATAATC-3'
Protein context (NP_000050.3, residues 1026-1046): KSKMFFKDIE[Glu1036Gln]QYPTSLACVE

ClinVar aggregate classification (germline): Conflicting classifications of pathogenicity. Review status: criteria provided, conflicting classifications (1 of 4 stars). 4 submissions from 4 submitters: Uncertain significance (3); Likely benign (1). Last evaluated 2025-08-25.

Conditions:
BRCA2-related cancer predisposition. Identifiers: MedGen CN377758, MONDO:0700269.
Hereditary breast ovarian cancer syndrome. Also called: Breast and ovarian cancer; Hereditary breast and/or ovarian cancer syndrome; BRCA1- and BRCA2-Associated Hereditary Breast and Ovarian Cancer; Hereditary breast and ovarian cancer syndrome; Hereditary breast and ovarian cancer; Hereditary breast and ovarian cancer syndrome (HBOC). Identifiers: Orphanet 145, MedGen C0677776, MeSH D061325, MONDO:0003582. Disease mechanism: loss of function.
Hereditary cancer-predisposing syndrome. Also called: Tumor predisposition; Neoplastic Syndromes, Hereditary; Hereditary Cancer Syndrome; Hereditary neoplastic syndrome. Identifiers: Orphanet 140162, MedGen C0027672, MeSH D009386, MONDO:0015356.

Submissions (4):

Ambry Genetics
Classification: Uncertain significance for Hereditary cancer-predisposing syndrome. Last evaluated: 2025-08-25. Review status: criteria provided, single submitter. Criteria: Ambry Variant Classification Scheme 2023. Collection method: clinical testing. Allele origin: germline.
Comment: The p.E1036Q variant (also known as c.3106G>C), located in coding exon 10 of the BRCA2 gene, results from a G to C substitution at nucleotide position 3106. The glutamic acid at codon 1036 is replaced by glutamine, an amino acid with highly similar properties. This amino acid position is well conserved in available vertebrate species. In addition, the in silico prediction for this alteration is inconclusive. Since supporting evidence is limited at this time, the clinical significance of this alteration remains unclear.

All of Us Research Program, National Institutes of Health
Classification: Uncertain significance for BRCA2-related cancer predisposition. Last evaluated: 2024-09-23. Review status: criteria provided, single submitter. Criteria: ACMG Guidelines, 2015. Collection method: clinical testing. Allele origin: germline. Inheritance: Autosomal dominant inheritance. Observed: 1 variant allele, 1 heterozygote.
Comment: This study involves interpretation of variants in research participants for the purpose of population health screening. Participant phenotype was not available at the time of variant classification. Additional details can be found in publication PMID: 35346344, PMCID: PMC8962531

Labcorp Genetics (formerly Invitae), Labcorp
Classification: Uncertain significance for Hereditary breast ovarian cancer syndrome. Last evaluated: 2024-07-19. Review status: criteria provided, single submitter. Criteria: Invitae Variant Classification Sherloc (09022015). Collection method: clinical testing. Allele origin: germline.
Comment: This sequence change replaces glutamic acid, which is acidic and polar, with glutamine, which is neutral and polar, at codon 1036 of the BRCA2 protein (p.Glu1036Gln). This variant is not present in population databases (gnomAD no frequency). This variant has not been reported in the literature in individuals affected with BRCA2-related conditions. ClinVar contains an entry for this variant (Variation ID: 1727690). Advanced modeling of protein sequence and biophysical properties (such as structural, functional, and spatial information, amino acid conservation, physicochemical variation, residue mobility, and thermodynamic stability) performed at Invitae indicates that this missense variant is not expected to disrupt BRCA2 protein function with a negative predictive value of 95%. In summary, the available evidence is currently insufficient to determine the role of this variant in disease. Therefore, it has been classified as a Variant of Uncertain Significance.

University of Washington Department of Laboratory Medicine, University of Washington
Classification: Likely benign for Hereditary cancer-predisposing syndrome. Last evaluated: 2023-03-23. Review status: criteria provided, single submitter. Criteria: Dines et al. (Genet Med. 2020). Collection method: curation. Allele origin: germline.
Comment: Missense variant in a coldspot region where missense variants are very unlikely to be pathogenic (PMID:31911673).

BRCA2 exon 11 coldspot. Reclassification based on statistical prior probability.